The following is an entry in ClinVar:

ClinVar aggregate classification (germline): Uncertain significance (1 of 4 stars; one submission).

Allele frequency attached by ClinVar (database versions not stated): gnomAD exomes below 0.00001 and 0.00001.
gnomAD v4.1: 13 of 1,604,868 alleles (0.00081%); highest among the groups gnomAD compares: East Asian, 0.013%; no homozygotes.

Submission:

Labcorp Genetics (formerly Invitae), Labcorp
Classification: Uncertain significance. Last evaluated: 2025-05-07. Review status: criteria provided, single submitter. Criteria: Invitae Variant Classification Sherloc (09022015). Collection method: clinical testing. Allele origin: germline.
Comment: This sequence change replaces cysteine, which is neutral and slightly polar, with tyrosine, which is neutral and polar, at codon 1116 of the JAK1 protein (p.Cys1116Tyr). This variant is present in population databases (rs368093469, gnomAD 0.01%). This variant has not been reported in the literature in individuals affected with JAK1-related conditions. ClinVar contains an entry for this variant (Variation ID: 1469780). Invitae Evidence Modeling of protein sequence and biophysical properties (such as structural, functional, and spatial information, amino acid conservation, physicochemical variation, residue mobility, and thermodynamic stability) indicates that this missense variant is not expected to disrupt JAK1 protein function with a negative predictive value of 80%. In summary, the available evidence is currently insufficient to determine the role of this variant in disease. Therefore, it has been classified as a Variant of Uncertain Significance.

NM_002227.4(JAK1):c.3347G>A (p.Cys1116Tyr)

Gene: JAK1 (Janus kinase 1; minus strand). Cytogenetic location: 1p31.3.
Variant type: single nucleotide variant.
Coding change: c.3347G>A on transcript NM_002227.4 (MANE Select); coding-DNA position 3347, G replaced by A.
Protein change: p.Cys1116Tyr; replaces cysteine 1116 with tyrosine.
Molecular consequence: missense variant.
Genome position (GRCh38, 1-based): chr1:64,835,418, C>T on the plus strand (G>A on the coding strand, the complement: JAK1 is on the minus strand). VCF-style: chr1-64835418-C-T. GRCh37 (hg19) VCF-style: chr1-65301101-C-T.
Other names: c.3347G>A, p.Cys1116Tyr (NM_001320923.2, NM_001321852.2, NM_001321853.2 and 3 more transcripts); c.3344G>A, p.Cys1115Tyr (NM_001321857.2); short protein forms C1115Y, C1116Y.
Identifiers: ClinVar variation 1469780 (VCV001469780.6), dbSNP rs368093469, ClinGen allele CA23897647.
Genomic context (GRCh38, chr1:64,835,418, plus strand): 5'-AAATGGAGTGTTATTACTGTGACGTGGCCCATAGATACCTCATCTGGACAGTTAGGTGGG[C>T]ACGGCAGGCGTTTTCCTTCTTTTAACGTATTCACAAGTCTTGTGACTGTCATCTGGCCAT-3'
Protein context (NP_002218.2, residues 1106-1126): NTLKEGKRLP[Cys1116Tyr]PPNCPDEVYQ